The following is an entry in ClinVar:

NM_000292.3(PHKA2):c.3244G>A (p.Val1082Met)

Gene: PHKA2 (phosphorylase kinase regulatory subunit alpha 2; minus strand). Cytogenetic location: Xp22.13.
Variant type: single nucleotide variant.
Coding change: c.3244G>A on transcript NM_000292.3 (MANE Select); coding-DNA position 3244, G replaced by A.
Protein change: p.Val1082Met; replaces valine 1082 with methionine.
Molecular consequence: missense variant.
Genome position (GRCh38, 1-based): chrX:18,897,201, C>T on the plus strand (G>A on the coding strand, the complement: PHKA2 is on the minus strand). VCF-style: chrX-18897201-C-T. GRCh37 (hg19) VCF-style: chrX-18915319-C-T.
Other names: c.3244G>A (NM_000292.2); short protein forms V1082M.
Identifiers: ClinVar variation 500257 (VCV000500257.11), dbSNP rs142123423, ClinGen allele CA10361387.

ClinVar aggregate classification (germline): Likely benign. Review status: criteria provided, multiple submitters, no conflicts (2 of 4 stars). 3 submissions from 3 submitters: Likely benign (2). 1 of the submissions does not count toward it. Last evaluated 2026-01-22.

Conditions:
Glycogen storage disease IXa1. Also called: GLYCOGEN STORAGE DISEASE VIII; GSD VIII; Glycogen storage disease 8; LIVER GLYCOGENOSIS, X-LINKED, TYPE I. Identifiers: Orphanet 264580, MedGen C3694531, MONDO:0010598, OMIM 306000.
PHKA2-related disorder. Also called: PHKA2-related condition.

Allele frequency attached by ClinVar (database versions not stated): gnomAD exomes 0.00018 and 0.00050; ESP Exome Variant Server 0.00019; ExAC 0.00021; TOPMed 0.00023; gnomAD 0.00031 and 0.00034.
gnomAD v4.1: 589 of 1,209,734 alleles (0.049%); highest among the groups gnomAD compares: Non-Finnish European, 0.062%; no homozygotes.

Submissions (3):

Labcorp Genetics (formerly Invitae), Labcorp
Classification: Likely benign for Glycogen storage disease IXa1. Last evaluated: 2026-01-22. Review status: criteria provided, single submitter. Criteria: Invitae Variant Classification Sherloc (09022015). Collection method: clinical testing. Allele origin: germline.

Eurofins Ntd Llc (ga)
Classification: Likely benign. Last evaluated: 2017-03-27. Review status: criteria provided, single submitter. Criteria: EGL Classification Definitions 2015. Collection method: clinical testing. Allele origin: germline. Observed: 1 variant allele, 1 heterozygote.

PreventionGenetics, part of Exact Sciences
Classification: Likely benign for PHKA2-related condition. Last evaluated: 2023-01-10. Review status: no assertion criteria provided. Collection method: clinical testing. Allele origin: germline. Not counted in ClinVar's aggregate classification.
Comment: This variant is classified as likely benign based on ACMG/AMP sequence variant interpretation guidelines (Richards et al. 2015 PMID: 25741868, with internal and published modifications).